The following is an entry in ClinVar:

ClinVar aggregate classification (germline): Uncertain significance. Review status: criteria provided, multiple submitters, no conflicts (2 of 4 stars). 3 submissions from 3 submitters: Uncertain significance (3). Last evaluated 2022-10-18.

Conditions:
Neurofibromatosis, type 1 (NF1). Also called: NEUROFIBROMATOSIS, TYPE I, SOMATIC; VON RECKLINGHAUSEN DISEASE; Neurofibromatosis, type I; Peripheral type neurofibromatosis. Identifiers: Orphanet 636, MedGen C0027831, MONDO:0018975, OMIM 162200. Disease mechanism: loss of function.
Hereditary cancer-predisposing syndrome. Also called: Neoplastic Syndromes, Hereditary; Hereditary Cancer Syndrome; Hereditary neoplastic syndrome; Tumor predisposition. Identifiers: Orphanet 140162, MedGen C0027672, MeSH D009386, MONDO:0015356.
Cardiovascular phenotype. Identifiers: MedGen CN230736.

Submissions (3):

Ambry Genetics
Classification: Uncertain significance for Cardiovascular phenotype; Hereditary cancer-predisposing syndrome. Last evaluated: 2022-10-18. Review status: criteria provided, single submitter. Criteria: Ambry Variant Classification Scheme 2023. Collection method: clinical testing. Allele origin: germline.
Comment: The p.P504T variant (also known as c.1510C>A), located in coding exon 13 of the NF1 gene, results from a C to A substitution at nucleotide position 1510. The proline at codon 504 is replaced by threonine, an amino acid with highly similar properties. This amino acid position is highly conserved in available vertebrate species. In addition, this alteration is predicted to be deleterious by in silico analysis. Since supporting evidence is limited at this time, the clinical significance of this alteration remains unclear.

Genome-Nilou Lab
Classification: Uncertain significance for Neurofibromatosis, type 1. Last evaluated: 2022-03-15. Review status: criteria provided, single submitter. Criteria: ACMG Guidelines, 2015. Collection method: clinical testing. Allele origin: germline. Affected: no.

Labcorp Genetics (formerly Invitae), Labcorp
Classification: Uncertain significance for Neurofibromatosis, type 1. Last evaluated: 2018-11-30. Review status: criteria provided, single submitter. Criteria: Invitae Variant Classification Sherloc (09022015). Collection method: clinical testing. Allele origin: germline.
Comment: This variant is not present in population databases (ExAC no frequency). In summary, the available evidence is currently insufficient to determine the role of this variant in disease. Therefore, it has been classified as a Variant of Uncertain Significance. Algorithms developed to predict the effect of missense changes on protein structure and function are either unavailable or do not agree on the potential impact of this missense change (SIFT: "Deleterious"; PolyPhen-2: "Probably Damaging"; Align-GVGD: "Class C0"). This variant has not been reported in the literature in individuals with NF1-related conditions. This sequence change replaces proline with threonine at codon 504 of the NF1 protein (p.Pro504Thr). The proline residue is highly conserved and there is a small physicochemical difference between proline and threonine.

NM_001042492.3(NF1):c.1510C>A (p.Pro504Thr)

Gene: NF1 (neurofibromin 1; plus strand). Cytogenetic location: 17q11.2.
Variant type: single nucleotide variant.
Coding change: c.1510C>A on transcript NM_001042492.3 (MANE Select); coding-DNA position 1510, C replaced by A.
Protein change: p.Pro504Thr; replaces proline 504 with threonine.
Molecular consequence: missense variant.
Genome position (GRCh38, 1-based): chr17:31,214,568, C>A. VCF-style: chr17-31214568-C-A. GRCh37 (hg19) VCF-style: chr17-29541586-C-A.
Other names: c.1510C>A, p.Pro504Thr (NM_000267.4, NM_001128147.3); short protein forms P504T.
Identifiers: ClinVar variation 644431 (VCV000644431.11), dbSNP rs1597698495, ClinGen allele CA399001673.